The following is an entry in ClinVar:

NM_015261.3(NCAPD3):c.3893C>T (p.Pro1298Leu)

Gene: NCAPD3 (non-SMC condensin II complex subunit D3; minus strand). Cytogenetic location: 11q25.
Variant type: single nucleotide variant.
Coding change: c.3893C>T on transcript NM_015261.3 (MANE Select); coding-DNA position 3893, C replaced by T.
Protein change: p.Pro1298Leu; replaces proline 1298 with leucine.
Molecular consequence: missense variant.
Genome position (GRCh38, 1-based): chr11:134,158,470, G>A on the plus strand (C>T on the coding strand, the complement: NCAPD3 is on the minus strand). VCF-style: chr11-134158470-G-A. GRCh37 (hg19) VCF-style: chr11-134028365-G-A.
Other names: c.3893C>T, p.Pro1298Leu (NM_001372065.1, NM_001372068.1); c.3479C>T, p.Pro1160Leu (NM_001372069.1, NM_001372070.1); short protein forms P1160L, P1298L.
Identifiers: ClinVar variation 781055 (VCV000781055.7), dbSNP rs74796704, ClinGen allele CA6370640.

ClinVar aggregate classification (germline): Benign. Review status: criteria provided, multiple submitters, no conflicts (2 of 4 stars). 3 submissions from 3 submitters: Benign (2). 1 of the submissions does not count toward it. Last evaluated 2019-12-31.

Conditions:
NCAPD3-related disorder. Also called: NCAPD3-related condition.

Allele frequency attached by ClinVar (database versions not stated): 1000 Genomes Project 30x 0.01124; 1000 Genomes Project 0.01098; gnomAD exomes 0.00222 and 0.00083; ExAC 0.00271; gnomAD 0.00899 and 0.00972; TOPMed 0.00971; ESP Exome Variant Server 0.01046.
gnomAD v4.1: 2,641 of 1,614,016 alleles (0.16%); highest among the groups gnomAD compares: African/African-American, 3.1%; 50 homozygotes.

Submissions (3):

Labcorp Genetics (formerly Invitae), Labcorp
Classification: Benign. Last evaluated: 2019-12-31. Review status: criteria provided, single submitter. Criteria: Invitae Variant Classification Sherloc (09022015). Collection method: clinical testing. Allele origin: germline.

Breakthrough Genomics
Classification: Benign. Review status: criteria provided, single submitter. Criteria: ACMG Guidelines, 2015. Collection method: not provided. Allele origin: germline. Inheritance: Autosomal recessive inheritance. Affected: yes.

PreventionGenetics, part of Exact Sciences
Classification: Benign for NCAPD3-related condition. Last evaluated: 2020-01-24. Review status: no assertion criteria provided. Collection method: clinical testing. Allele origin: germline. Not counted in ClinVar's aggregate classification.
Comment: This variant is classified as benign based on ACMG/AMP sequence variant interpretation guidelines (Richards et al. 2015 PMID: 25741868, with internal and published modifications).